The following is an entry in ClinVar:

NM_001366145.2(TRPM3):c.3575-7del

Genes: KLF9-DT (KLF9 divergent transcript; plus strand), TRPM3 (transient receptor potential cation channel subfamily M member 3; minus strand). Cytogenetic location: 9q21.12.
Variant type: Deletion.
Coding change: c.3575-7del on transcript NM_001366145.2 (MANE Select); 7 bases into the intron before coding-DNA position 3575, one base deleted (T; older notation c.3575-7delT).
Molecular consequence: intron variant.
Genome position (GRCh38, 1-based): chr9:70,549,681, A deleted on the plus strand (T on the coding strand, the reverse complement: TRPM3 is on the minus strand); the first of 13 consecutive A bases (chr9:70,549,681-70,549,693); deleting any one gives the same sequence. VCF-style (leftmost placement, unchanged base first): chr9-70549680-GA-G. GRCh37 (hg19) VCF-style: chr9-73164596-GA-G.
Other names: c.3545-7del (NM_001366143.2, NM_001366141.2, NM_001366149.2); c.3581-7del (NM_001366142.2); c.3509-7del (NM_001366150.2); c.3539-7del (NM_001366151.2, NM_001007471.4); c.3575-7del (NM_001366146.2); c.3620-7del (NM_001366148.2); c.3650-7del (NM_001366152.2, NM_001366147.2); c.3050-7del (NM_206944.5); and 5 more.
Identifiers: ClinVar variation 3059561 (VCV003059561.2), dbSNP rs76157078, ClinGen allele CA5078015.

ClinVar aggregate classification (germline): Benign (0 of 4 stars; one submission).

Conditions:
TRPM3-related disorder. Also called: TRPM3-related condition.

Submission:

PreventionGenetics, part of Exact Sciences
Classification: Benign for TRPM3-related condition. Last evaluated: 2019-02-20. Review status: no assertion criteria provided. Collection method: clinical testing. Allele origin: germline.
Comment: This variant is classified as benign based on ACMG/AMP sequence variant interpretation guidelines (Richards et al. 2015 PMID: 25741868, with internal and published modifications).